The following is an entry in ClinVar:

NM_024642.5(GALNT12):c.748T>C (p.Ser250Pro)

Gene: GALNT12 (polypeptide N-acetylgalactosaminyltransferase 12; plus strand). Cytogenetic location: 9q22.33.
Variant type: single nucleotide variant.
Coding change: c.748T>C on transcript NM_024642.5 (MANE Select); coding-DNA position 748, T replaced by C.
Protein change: p.Ser250Pro; replaces serine 250 with proline.
Molecular consequence: missense variant.
Genome position (GRCh38, 1-based): chr9:98,831,788, T>C. VCF-style: chr9-98831788-T-C. GRCh37 (hg19) VCF-style: chr9-101594070-T-C.
Other names: short protein forms S250P.
Identifiers: ClinVar variation 1759151 (VCV001759151.2), dbSNP rs1836002276, ClinGen allele CA374217925.

ClinVar aggregate classification (germline): Uncertain significance (1 of 4 stars; one submission).

Allele frequency attached by ClinVar (database versions not stated): gnomAD exomes below 0.00001; TOPMed 0.00001.
gnomAD v4.1: 1 of 1,613,720 alleles (0.000062%); highest among the groups gnomAD compares: East Asian, 0.0022%; no homozygotes.

Submission:

Ambry Genetics
Classification: Uncertain significance. Last evaluated: 2022-07-10. Review status: criteria provided, single submitter. Criteria: Ambry Variant Classification Scheme 2023. Collection method: clinical testing. Allele origin: germline.
Comment: The p.S250P variant (also known as c.748T>C), located in coding exon 4 of the GALNT12 gene, results from a T to C substitution at nucleotide position 748. The serine at codon 250 is replaced by proline, an amino acid with similar properties. This amino acid position is conserved. In addition, the in silico prediction for this alteration is inconclusive. Since supporting evidence is limited at this time, the clinical significance of this alteration remains unclear.